The following is an entry in ClinVar:

NM_017802.4(DNAAF5):c.1255A>G (p.Ser419Gly)

Gene: DNAAF5 (dynein axonemal assembly factor 5; plus strand). Cytogenetic location: 7p22.3.
Variant type: single nucleotide variant.
Coding change: c.1255A>G on transcript NM_017802.4 (MANE Select); coding-DNA position 1255, A replaced by G.
Protein change: p.Ser419Gly; replaces serine 419 with glycine.
Molecular consequence: missense variant. On other transcripts: non-coding transcript variant (1).
Genome position (GRCh38, 1-based): chr7:754,819, A>G. VCF-style: chr7-754819-A-G. GRCh37 (hg19) VCF-style: chr7-794456-A-G.
Other names: short protein forms S419G.
Identifiers: ClinVar variation 454848 (VCV000454848.11), dbSNP rs1327498994, ClinGen allele CA366537056.

ClinVar aggregate classification (germline): Uncertain significance (1 of 4 stars; one submission).

Conditions:
Primary ciliary dyskinesia. Also called: Ciliary dyskinesia. Identifiers: Orphanet 244, MedGen C0008780, MONDO:0016575, HP:0012265.

Allele frequency attached by ClinVar (database versions not stated): gnomAD exomes below 0.00001.
gnomAD v4.1: 3 of 1,600,304 alleles (0.00019%); highest among the groups gnomAD compares: Middle Eastern, 0.034%; no homozygotes.

Submission:

Labcorp Genetics (formerly Invitae), Labcorp
Classification: Uncertain significance for Primary ciliary dyskinesia. Last evaluated: 2019-07-15. Review status: criteria provided, single submitter. Criteria: Invitae Variant Classification Sherloc (09022015). Collection method: clinical testing. Allele origin: germline.
Comment: In summary, the available evidence is currently insufficient to determine the role of this variant in disease. Therefore, it has been classified as a Variant of Uncertain Significance. Algorithms developed to predict the effect of missense changes on protein structure and function output the following: SIFT: "Tolerated"; PolyPhen-2: "Benign"; Align-GVGD: "Class C0". The glycine amino acid residue is found in multiple mammalian species, suggesting that this missense change does not adversely affect protein function. These predictions have not been confirmed by published functional studies and their clinical significance is uncertain. This variant has not been reported in the literature in individuals with DNAAF5-related disease. This variant is not present in population databases (ExAC no frequency). This sequence change replaces serine with glycine at codon 419 of the DNAAF5 protein (p.Ser419Gly). The serine residue is weakly conserved and there is a small physicochemical difference between serine and glycine.